The following is an entry in ClinVar:

ClinVar aggregate classification (germline): Uncertain significance (1 of 4 stars; one submission).

Submission:

Labcorp Genetics (formerly Invitae), Labcorp
Classification: Uncertain significance. Last evaluated: 2023-08-10. Review status: criteria provided, single submitter. Criteria: Invitae Variant Classification Sherloc (09022015). Collection method: clinical testing. Allele origin: germline.
Comment: ClinVar contains an entry for this variant (Variation ID: 2134317). Advanced modeling of protein sequence and biophysical properties (such as structural, functional, and spatial information, amino acid conservation, physicochemical variation, residue mobility, and thermodynamic stability) performed at Invitae indicates that this missense variant is not expected to disrupt KMT2B protein function. In summary, the available evidence is currently insufficient to determine the role of this variant in disease. Therefore, it has been classified as a Variant of Uncertain Significance. This sequence change replaces serine, which is neutral and polar, with glycine, which is neutral and non-polar, at codon 821 of the KMT2B protein (p.Ser821Gly). This variant is not present in population databases (gnomAD no frequency). This variant has not been reported in the literature in individuals affected with KMT2B-related conditions.

NM_014727.3(KMT2B):c.2461A>G (p.Ser821Gly)

Gene: KMT2B (lysine methyltransferase 2B; plus strand). Cytogenetic location: 19q13.12.
Variant type: single nucleotide variant.
Coding change: c.2461A>G on transcript NM_014727.3 (MANE Select); coding-DNA position 2461, A replaced by G.
Protein change: p.Ser821Gly; replaces serine 821 with glycine.
Molecular consequence: missense variant.
Genome position (GRCh38, 1-based): chr19:35,722,362, A>G. VCF-style: chr19-35722362-A-G. GRCh37 (hg19) VCF-style: chr19-36213264-A-G.
Other names: short protein forms S821G.
Identifiers: ClinVar variation 2134317 (VCV002134317.4), dbSNP rs2513320932, ClinGen allele CA405398236.